The following is an entry in ClinVar:

NM_000183.3(HADHB):c.64+15del

Gene: HADHB (hydroxyacyl-CoA dehydrogenase trifunctional multienzyme complex subunit beta; plus strand). Cytogenetic location: 2p23.3.
Variant type: Deletion.
Coding change: c.64+15del on transcript NM_000183.3 (MANE Select); 15 bases into the intron after coding-DNA position 64, one base deleted (A; older notation c.64+15delA).
Molecular consequence: intron variant.
Genome position (GRCh38, 1-based): chr2:26,254,333, A deleted. VCF-style (leftmost placement, unchanged base first): chr2-26254332-TA-T. GRCh37 (hg19) VCF-style: chr2-26477200-TA-T.
Other names: c.-86+15del (NM_001281513.2); c.64+15del (NM_001281512.2).
Identifiers: ClinVar variation 422671 (VCV000422671.10), dbSNP rs771594408, ClinGen allele CA1560061.

ClinVar aggregate classification (germline): Likely benign. Review status: criteria provided, multiple submitters, no conflicts (2 of 4 stars). 3 submissions from 3 submitters: Likely benign (3). Last evaluated 2026-02-04.

Conditions:
Mitochondrial trifunctional protein deficiency. Identifiers: Orphanet 746, MedGen C1969443, MONDO:0012172.

Allele frequency attached by ClinVar (database versions not stated): gnomAD 0.00021; gnomAD exomes 0.00025 and 0.00029; ExAC 0.00027; TOPMed 0.00028; ESP Exome Variant Server 0.00072.

Submissions (3):

Labcorp Genetics (formerly Invitae), Labcorp
Classification: Likely benign for Mitochondrial trifunctional protein deficiency. Last evaluated: 2026-02-04. Review status: criteria provided, single submitter. Criteria: Invitae Variant Classification Sherloc (09022015). Collection method: clinical testing. Allele origin: germline.

Blueprint Genetics
Classification: Likely benign. Last evaluated: 2024-11-07. Review status: criteria provided, single submitter. Criteria: ACMG Guidelines, 2015. Collection method: clinical testing. Allele origin: germline.

GeneDx
Classification: Likely benign. Last evaluated: 2017-06-07. Review status: criteria provided, single submitter. Criteria: GeneDx Variant Classification (06012015). Collection method: clinical testing. Allele origin: germline. Affected: yes.
Comment: This variant is considered likely benign or benign based on one or more of the following criteria: it is a conservative change, it occurs at a poorly conserved position in the protein, it is predicted to be benign by multiple in silico algorithms, and/or has population frequency not consistent with disease.